The following is an entry in ClinVar:

NM_000135.4(FANCA):c.556C>T (p.His186Tyr)

Gene: FANCA (FA complementation group A; minus strand). Cytogenetic location: 16q24.3.
Variant type: single nucleotide variant.
Coding change: c.556C>T on transcript NM_000135.4 (MANE Select); coding-DNA position 556, C replaced by T.
Protein change: p.His186Tyr; replaces histidine 186 with tyrosine.
Molecular consequence: missense variant.
Genome position (GRCh38, 1-based): chr16:89,808,334, G>A on the plus strand (C>T on the coding strand, the complement: FANCA is on the minus strand). VCF-style: chr16-89808334-G-A. GRCh37 (hg19) VCF-style: chr16-89874742-G-A.
Other names: c.556C>T, p.His186Tyr (NM_001018112.3, NM_001286167.3); c.460C>T, p.His154Tyr (NM_001351830.2); short protein forms H154Y, H186Y.
Identifiers: ClinVar variation 4619239 (VCV004619239.1).

ClinVar aggregate classification (germline): Uncertain significance (1 of 4 stars; one submission).

Conditions:
Inborn genetic diseases. Identifiers: MedGen C0950123, MeSH D030342.

gnomAD v4.1: 1 of 1,614,098 alleles (0.000062%); highest among the groups gnomAD compares: Non-Finnish European, 0.000085%; no homozygotes.

Submission:

Ambry Genetics
Classification: Uncertain significance for Inborn genetic diseases. Last evaluated: 2025-11-02. Review status: criteria provided, single submitter. Criteria: Ambry Variant Classification Scheme 2023. Collection method: clinical testing. Allele origin: germline.
Comment: The p.H186Y variant (also known as c.556C>T), located in coding exon 6 of the FANCA gene, results from a C to T substitution at nucleotide position 556. The histidine at codon 186 is replaced by tyrosine, an amino acid with similar properties. This amino acid position is conserved. In addition, the in silico prediction for this alteration is inconclusive. Based on the available evidence, the clinical significance of this variant remains unclear.